The following is an entry in ClinVar:

NC_000001.10:g.(?_94458793)_(94586601_?)dup

Gene: ABCA4 (ATP binding cassette subfamily A member 4; minus strand). Cytogenetic location: 1p22.1.
Variant type: Duplication.
Identifiers: ClinVar variation 1449477 (VCV001449477.4).

ClinVar aggregate classification (germline): Uncertain significance (1 of 4 stars; one submission).

Submission:

Labcorp Genetics (formerly Invitae), Labcorp
Classification: Uncertain significance. Last evaluated: 2021-08-11. Review status: criteria provided, single submitter. Criteria: Invitae Variant Classification Sherloc (09022015). Collection method: clinical testing. Allele origin: germline.
Comment: In summary, the available evidence is currently insufficient to determine the role of this variant in disease. Therefore, it has been classified as a Variant of Uncertain Significance. Experimental studies and prediction algorithms are not available or were not evaluated, and the functional significance of this variant is currently unknown. This variant has not been reported in the literature in individuals affected with ABCA4-related conditions. A copy number gain of the genomic region encompassing the full coding sequence of the ABCA4 gene has been identified. The boundaries of this event are unknown as they extend beyond the assayed region for this gene and therefore may encompass additional genes. As the precise location of this event is unknown, it may be in tandem or it may be located elsewhere in the genome.